The following is an entry in ClinVar:

ClinVar aggregate classification (germline): not provided (0 of 4 stars; one submission).

Conditions:
Normal pregnancy. Identifiers: MedGen C0232989.

Submission:

Institute of Molecular and Cell Biology, University of Tartu
No classification provided. Condition: Normal pregnancy. Review status: no classification provided. Collection method: case-control. Allele origin: unknown. Affected: yes. Study: Kasak2014.
Comment: The study aimed to determine the contribution of copy number variants in the genetic etiology of normal and complicated pregnancies. The samples represented (i) maternal blood DNA drawn from healthy pregnant women during 1st or 2nd trimester and (ii) maternal and paternal blood DNA drawn at term pregnancy cases representing normal and complicated gestations (severe preeclampsia, PE; gestational diabetes, GD; small-for-gestational age newborn, SGA; large-for-gestational age newborn, LGA). We performed CNV calling based on genome-wide genotyping dataset (Illumina HumanOmniExpress-24-v1 BeadChip) by applying three algorithms, QuantiSNP, GADA (Genome Alteration Detection Algorithm) and CNstream in parallel. The acquired CNV calls were merged with HD-CNV (Hotspot Detector for Copy Number Variants) program and only the CNVs predicted by at least two programs, were considered in subsequent analysis.

Literature cited by the submitters: PubMed 25666259.

NM_014515.7(CNOT2):c.48+7810_48+9760del

Gene: CNOT2 (CCR4-NOT transcription complex subunit 2; plus strand). Cytogenetic location: 12q15.
Variant type: Deletion.
Coding change: c.48+7810_48+9760del on transcript NM_014515.7 (MANE Select); bases 7810 to 9760 of the intron after coding-DNA position 48, 1,951 bases deleted.
Molecular consequence: intron variant.
Genome position (GRCh38, 1-based): chr12:70,286,084-70,288,034, 1,951 bases deleted. GRCh37 (hg19): chr12:70,679,864-70,681,814.
Other names: c.48+7810_48+9760del (NM_001199302.2, NM_001199303.2).
Identifiers: ClinVar variation 157256 (VCV000157256.2), ClinGen allele CA212340.